The following is an entry in ClinVar:

ClinVar aggregate classification (germline): Uncertain significance (1 of 4 stars; one submission).

Conditions:
Brown-Vialetto-van Laere syndrome 1. Also called: BROWN-VIALETTO-VAN LAERE SYNDROME 1, MILD; BULBAR PALSY, PROGRESSIVE, WITH SENSORINEURAL DEAFNESS; PONTOBULBAR PALSY WITH DEAFNESS. Identifiers: Orphanet 572550, Orphanet 97229, MedGen C0796274, MONDO:0024537, OMIM 211530.

Submission:

Labcorp Genetics (formerly Invitae), Labcorp
Classification: Uncertain significance for Brown-Vialetto-van Laere syndrome 1. Last evaluated: 2022-07-12. Review status: criteria provided, single submitter. Criteria: Invitae Variant Classification Sherloc (09022015). Collection method: clinical testing. Allele origin: germline.
Comment: Algorithms developed to predict the effect of missense changes on protein structure and function output the following: SIFT: "Tolerated"; PolyPhen-2: "Benign"; Align-GVGD: "Class C0". The asparagine amino acid residue is found in multiple mammalian species, which suggests that this missense change does not adversely affect protein function. This sequence change replaces threonine, which is neutral and polar, with asparagine, which is neutral and polar, at codon 164 of the SLC52A3 protein (p.Thr164Asn). This variant is not present in population databases (gnomAD no frequency). This variant has not been reported in the literature in individuals affected with SLC52A3-related conditions. ClinVar contains an entry for this variant (Variation ID: 1391904). In summary, the available evidence is currently insufficient to determine the role of this variant in disease. Therefore, it has been classified as a Variant of Uncertain Significance.

NM_033409.4(SLC52A3):c.491C>A (p.Thr164Asn)

Gene: SLC52A3 (solute carrier family 52 member 3; minus strand). Cytogenetic location: 20p13.
Variant type: single nucleotide variant.
Coding change: c.491C>A on transcript NM_033409.4 (MANE Select); coding-DNA position 491, C replaced by A.
Protein change: p.Thr164Asn; replaces threonine 164 with asparagine.
Molecular consequence: missense variant.
Genome position (GRCh38, 1-based): chr20:765,284, G>T on the plus strand (C>A on the coding strand, the complement: SLC52A3 is on the minus strand). VCF-style: chr20-765284-G-T. GRCh37 (hg19) VCF-style: chr20-745928-G-T.
Other names: c.491C>A, p.Thr164Asn (NM_001370085.1, NM_001370086.1); short protein forms T164N.
Identifiers: ClinVar variation 1391904 (VCV001391904.8), dbSNP rs2122524593, ClinGen allele CA407963729.